The following is an entry in ClinVar:

ClinVar aggregate classification (germline): Pathogenic (1 of 4 stars; one submission).

Submission:

Labcorp Genetics (formerly Invitae), Labcorp
Classification: Pathogenic. Last evaluated: 2025-09-10. Review status: criteria provided, single submitter. Criteria: Invitae Variant Classification Sherloc (09022015). Collection method: clinical testing. Allele origin: germline.
Comment: This sequence change creates a premature translational stop signal (p.Leu1671Profs*90) in the POLE gene. It is expected to result in an absent or disrupted protein product. Loss-of-function variants in POLE are known to be pathogenic (PMID: 23230001, 25948378, 30503519). This variant is not present in population databases (gnomAD no frequency). This variant has not been reported in the literature in individuals affected with POLE-related conditions. ClinVar contains an entry for this variant (Variation ID: 3694943). Algorithms developed to predict the effect of sequence changes on RNA splicing suggest that this variant may create or strengthen a splice site. For these reasons, this variant has been classified as Pathogenic.

Literature cited by the submitters: PubMed 23230001; PubMed 25948378; PubMed 30503519.

NM_006231.4(POLE):c.5012del (p.Leu1671fs)

Gene: POLE (DNA polymerase epsilon, catalytic subunit; minus strand). Cytogenetic location: 12q24.33.
Variant type: Deletion.
Coding change: c.5012del on transcript NM_006231.4 (MANE Select); coding-DNA position 5012, one base deleted (T; older notation c.5012delT).
Protein change: p.Leu1671fs; shifts the reading frame from leucine 1671.
Molecular consequence: frameshift variant.
Genome position (GRCh38, 1-based): chr12:132,642,338, A deleted on the plus strand (T on the coding strand, the reverse complement: POLE is on the minus strand). VCF-style (leftmost placement, unchanged base first): chr12-132642337-GA-G. GRCh37 (hg19) VCF-style: chr12-133218923-GA-G.
Other names: short protein forms L1671fs.
Identifiers: ClinVar variation 3694943 (VCV003694943.2).